The following is an entry in ClinVar:

NM_012280.4(FTSJ1):c.941C>A (p.Thr314Asn)

Gene: FTSJ1 (FtsJ RNA 2'-O-methyltransferase 1; plus strand). Cytogenetic location: Xp11.23.
Variant type: single nucleotide variant.
Coding change: c.941C>A on transcript NM_012280.4 (MANE Select); coding-DNA position 941, C replaced by A.
Protein change: p.Thr314Asn; replaces threonine 314 with asparagine.
Molecular consequence: missense variant.
Genome position (GRCh38, 1-based): chrX:48,482,778, C>A. VCF-style: chrX-48482778-C-A. GRCh37 (hg19) VCF-style: chrX-48341166-C-A.
Other names: c.530C>A, p.Thr177Asn (NM_001282157.2); c.935C>A, p.Thr312Asn (NM_177439.3); short protein forms T177N, T312N, T314N.
Identifiers: ClinVar variation 1313966 (VCV001313966.2), dbSNP rs1569474842, ClinGen allele CA412859415.

ClinVar aggregate classification (germline): Uncertain significance (1 of 4 stars; one submission).

Submission:

GeneDx
Classification: Uncertain significance. Last evaluated: 2021-01-07. Review status: criteria provided, single submitter. Criteria: GeneDx Variant Classification Process June 2021. Collection method: clinical testing. Allele origin: germline. Affected: yes.
Comment: Not observed in large population cohorts (Lek et al., 2016); In silico analysis supports that this missense variant does not alter protein structure/function; Has not been previously published as pathogenic or benign to our knowledge